The following is an entry in ClinVar:

NM_005228.5(EGFR):c.635A>G (p.Lys212Arg)

Gene: EGFR (epidermal growth factor receptor; plus strand). Cytogenetic location: 7p11.2.
Variant type: single nucleotide variant.
Coding change: c.635A>G on transcript NM_005228.5 (MANE Select); coding-DNA position 635, A replaced by G.
Protein change: p.Lys212Arg; replaces lysine 212 with arginine.
Molecular consequence: missense variant. On other transcripts: intron variant (1).
Genome position (GRCh38, 1-based): chr7:55,152,552, A>G. VCF-style: chr7-55152552-A-G. GRCh37 (hg19) VCF-style: chr7-55220245-A-G.
Other names: c.500A>G, p.Lys167Arg (NM_001346897.2, NM_001346899.2); c.635A>G, p.Lys212Arg (NM_001346898.2, NM_201282.2, NM_201283.2 and 1 more transcripts); c.476A>G, p.Lys159Arg (NM_001346900.2); c.89-3278A>G (NM_001346941.2); c.635A>G (NM_005228.3); short protein forms K167R, K212R, K159R.
Identifiers: ClinVar variation 1469184 (VCV001469184.9), dbSNP rs2128933654, ClinGen allele CA367577326.

ClinVar aggregate classification (germline): Uncertain significance. Review status: criteria provided, multiple submitters, no conflicts (2 of 4 stars). 2 submissions from 2 submitters: Uncertain significance (2). Last evaluated 2025-04-19.

Conditions:
Hereditary cancer-predisposing syndrome. Also called: Tumor predisposition; Hereditary Cancer Syndrome; Hereditary neoplastic syndrome; Neoplastic Syndromes, Hereditary. Identifiers: Orphanet 140162, MedGen C0027672, MeSH D009386, MONDO:0015356.
EGFR-related lung cancer (EGFR). Identifiers: MedGen CN130014.

Submissions (2):

Ambry Genetics
Classification: Uncertain significance for Hereditary cancer-predisposing syndrome. Last evaluated: 2025-04-19. Review status: criteria provided, single submitter. Criteria: Ambry Variant Classification Scheme 2023. Collection method: clinical testing. Allele origin: germline.
Comment: The p.K212R variant (also known as c.635A>G), located in coding exon 6 of the EGFR gene, results from an A to G substitution at nucleotide position 635. The lysine at codon 212 is replaced by arginine, an amino acid with highly similar properties. This amino acid position is conserved. In addition, this alteration is predicted to be tolerated by in silico analysis. Based on the available evidence, the clinical significance of this variant remains unclear.

Labcorp Genetics (formerly Invitae), Labcorp
Classification: Uncertain significance for EGFR-related lung cancer. Last evaluated: 2021-05-27. Review status: criteria provided, single submitter. Criteria: Invitae Variant Classification Sherloc (09022015). Collection method: clinical testing. Allele origin: germline.
Comment: This sequence change replaces lysine with arginine at codon 212 of the EGFR protein (p.Lys212Arg). The lysine residue is highly conserved and there is a small physicochemical difference between lysine and arginine. In summary, the available evidence is currently insufficient to determine the role of this variant in disease. Therefore, it has been classified as a Variant of Uncertain Significance. Algorithms developed to predict the effect of missense changes on protein structure and function output the following: SIFT: "Tolerated"; PolyPhen-2: "Benign"; Align-GVGD: "Class C0". The arginine amino acid residue is found in multiple mammalian species, suggesting that this missense change does not adversely affect protein function. These predictions have not been confirmed by published functional studies and their clinical significance is uncertain. This variant has not been reported in the literature in individuals with EGFR-related conditions. This variant is not present in population databases (ExAC no frequency).